The following is an entry in ClinVar:

NM_001032382.2(PQBP1):c.459_462del (p.Arg153fs)

Gene: PQBP1 (polyglutamine binding protein 1; plus strand). Cytogenetic location: Xp11.23.
Variant type: Microsatellite.
Coding change: c.459_462del on transcript NM_001032382.2 (MANE Select); coding-DNA positions 459 to 462, 4 bases deleted (AGAG; older notation c.459_462delAGAG).
Protein change: p.Arg153fs; shifts the reading frame from arginine 153.
Molecular consequence: frameshift variant. On other transcripts: intron variant (2).
Genome position (GRCh38, 1-based): chrX:48,902,399-48,902,402, AGAG deleted; deleting any 4 consecutive bases within chrX:48,902,391-48,902,402 gives the same sequence; the c. name uses the placement nearest the transcript's 3' end. VCF-style (leftmost placement, unchanged base first): chrX-48902390-CAGAG-C. GRCh37 (hg19) VCF-style: chrX-48759667-CAGAG-C.
Other names: c.459_462delAGAG (NM_001032381.1, NM_001032383.1, NM_005710.2 and 1 more transcripts); c.459_462del, p.Arg153fs (NM_001032381.2, NM_001032383.2, NM_001032384.1 and 2 more transcripts); c.435_438del, p.Arg145fs (NM_001167990.2); c.293-341AG[4] (NM_144495.3); c.202-51AG[4] (NM_001167992.1); c.451_454delAGAG (NM_005710.2); short protein forms R145fs, R153fs.
Identifiers: ClinVar variation 10980 (VCV000010980.89), dbSNP rs606231193, ClinGen allele CA121283.

ClinVar aggregate classification (germline): Pathogenic/Likely pathogenic. Review status: criteria provided, multiple submitters, no conflicts (2 of 4 stars). 30 submissions from 30 submitters: Pathogenic (25); Likely pathogenic (1). 4 of the submissions do not count toward it. Last evaluated 2026-01-19.

Conditions:
PQBP1-related disorder. Also called: PQBP1-related condition.
Inborn genetic diseases. Identifiers: MedGen C0950123, MeSH D030342.
Renpenning syndrome. Also called: MENTAL RETARDATION, X-LINKED 55; MENTAL RETARDATION, X-LINKED, SYNDROMIC 8; SUTHERLAND-HAAN X-LINKED MENTAL RETARDATION SYNDROME; Mental retardation, X-linked Renpenning type; X-linked mental retardation with spastic diplegia; X-linked mental retardation syndromic 3. Identifiers: Orphanet 3242, MedGen C0796135, MONDO:0010653, OMIM 309500.
Hyperactivity. Identifiers: MedGen C0424295, HP:0000752.
Delayed speech and language development. Also called: Language delay. Identifiers: MedGen C0454644, HP:0000750.
Microcephaly. Also called: Microcephaly (disease). Identifiers: MedGen C4551563, MONDO:0001149, HP:0000252.
Intellectual disability. Also called: intellectual disabilities; Intellectual developmental disorder; Intellectual functioning disability. Identifiers: MedGen C3714756, MeSH D008607, MONDO:0001071, HP:0001249.

Submissions 1 to 13 of 30:

Labcorp Genetics (formerly Invitae), Labcorp
Classification: Pathogenic. Last evaluated: 2026-01-19. Review status: criteria provided, single submitter. Criteria: Invitae Variant Classification Sherloc (09022015). Collection method: clinical testing. Allele origin: germline.
Comment: This sequence change creates a premature translational stop signal (p.Arg153Serfs*41) in the PQBP1 gene. It is expected to result in an absent or disrupted protein product. Loss-of-function variants in PQBP1 are known to be pathogenic (PMID: 20950397). This variant is not present in population databases (gnomAD no frequency). This premature translational stop signal has been observed in individual(s) with clinical features of Renpenning syndrome (PMID: 20950397, 30500859, 31316545). ClinVar contains an entry for this variant (Variation ID: 10980). Algorithms developed to predict the effect of sequence changes on RNA splicing suggest that this variant may create or strengthen a splice site. For these reasons, this variant has been classified as Pathogenic.

Institute of Human Genetics, University of Leipzig Medical Center
Classification: Pathogenic for Renpenning syndrome. Last evaluated: 2025-11-17. Review status: criteria provided, single submitter. Criteria: ACMG Guidelines, 2015. Collection method: clinical testing. Allele origin: unknown. Inheritance: Autosomal dominant inheritance. Affected: yes.
Comment: Criteria applied: PVS1,PS2_MOD,PS3,PS4,PM2

Variantyx, Inc.
Classification: Pathogenic for Renpenning syndrome. Last evaluated: 2025-11-03. Review status: criteria provided, single submitter. Criteria: Variantyx Assertion Criteria 2022. Collection method: clinical testing. Allele origin: maternal. Inheritance: X-linked recessive inheritance. Affected: yes.
Comment: This is a frameshift variant in the PQBP1 gene (OMIM: 300463). Pathogenic variants in this gene have been associated with X-linked Renpenning syndrome. This variant introduces a premature termination codon in exon 5 out of 7 and is expected to result in loss of function, which is a known disease mechanism for PQBP1 in this disorder (PMID: 20950397, 17033686, 21315190) (PVS1). This variant has been reported in several unrelated affected individuals (PMID: 20950397, 30500859, 31316545) (PS4), has been observed to segregate with disease in at least six individuals from five families (PMID: 20950397, 30500859, 31316545) (PP1_Moderate), and has a 0.0001% maximum allele frequency in non-founder control populations (PM2). Based on the current evidence, this variant is classified as pathogenic for X-linked Renpenning syndrome.

Dasa
Classification: Pathogenic. Last evaluated: 2025-03-20. Review status: criteria provided, single submitter. Criteria: DASA Assertion Criteria. Collection method: clinical testing. Allele origin: germline.
Comment: NM_001032382.2(PQBP1):c.459_462del (p.Arg153Serfs*41) is a frameshift variant in PQBP1 predicted to alter the reading frame and introduce a premature termination codon and is predicted to result in an absent or altered protein product. Loss of function is an established disease mechanism for PQBP1 (PMID: 20950397; PMID: 17033686; PMID: 21315190). This variant has been reported in individuals with PQBP1-related disorders. Also, this variant is rare in population databases. Based on the currently available evidence, this variant is classified as pathogenic.

Center of Human Genetics, Hôpital Erasme
Classification: Pathogenic for Renpenning syndrome. Last evaluated: 2025-01-01. Review status: criteria provided, single submitter. Criteria: ACMG Guidelines, 2015. Collection method: clinical testing. Allele origin: inherited. Affected: yes.

Victorian Clinical Genetics Services, Murdoch Childrens Research Institute
Classification: Pathogenic for Renpenning syndrome. Last evaluated: 2024-10-09. Review status: criteria provided, single submitter. Criteria: ACMG Guidelines, 2015. Collection method: clinical testing. Allele origin: germline. Inheritance: X-linked recessive inheritance. Affected: yes.
Comment: Based on the classification scheme VCGS_Germline_v1.3.4, this variant is classified as Pathogenic. Following criteria are met: 0102 - Loss of function is a known mechanism of disease in this gene and is associated with Renpenning syndrome (MIM#309500). (I) 0109 - This gene is associated with X-linked recessive disease. (I) 0201 - Variant is predicted to cause nonsense-mediated decay (NMD) and loss of protein (premature termination codon is located at least 54 nucleotides upstream of the final exon-exon junction). (SP) 0253 - This variant is hemizygous. (I) 0301 - Variant is absent from gnomAD (both v2 and v3). (SP) 0702 - Other NMD-predicted variants comparable to the one identified in this case have strong previous evidence for pathogenicity (DECIPHER). (SP) 0801 - This variant has strong previous evidence of pathogenicity in unrelated individuals. This variant has been reported as a recurring, common pathogenic variant (ClinVar, PMIDs: 31840929, 14634649). (I) Legend: (SP) - Supporting pathogenic, (I) - Information, (SB) - Supporting benign

Dubai Health Genomic Medicine Center, Dubai Health
Classification: Pathogenic for Renpenning syndrome. Last evaluated: 2024-10-04. Review status: criteria provided, single submitter. Criteria: ACMG Guidelines, 2015. Collection method: research. Allele origin: germline. Affected: yes.
Comment: PVS1,PM3(strong),PS3,PM2

Laboratorio de Genetica e Diagnostico Molecular, Hospital Israelita Albert Einstein
Classification: Pathogenic for Renpenning syndrome. Last evaluated: 2024-07-22. Review status: criteria provided, single submitter. Criteria: ACMG Guidelines, 2015. Collection method: clinical testing. Allele origin: germline. Affected: yes.
Comment: ACMG classification criteria: PVS1 very strong, PS4 strong, PM2 supporting, PP1 supporting

Clinical Genetics Laboratory, Skane University Hospital Lund
Classification: Pathogenic. Last evaluated: 2024-03-18. Review status: criteria provided, single submitter. Criteria: ACMG Guidelines, 2015. Collection method: clinical testing. Allele origin: germline. Affected: yes.

Blueprint Genetics
Classification: Pathogenic for PQBP1-related disorders. Last evaluated: 2023-12-27. Review status: criteria provided, single submitter. Criteria: ACMG Guidelines, 2015. Collection method: clinical testing. Allele origin: germline. Affected: yes. Observed: 3 variant alleles.

Revvity Omics, Revvity
Classification: Pathogenic for Renpenning syndrome. Last evaluated: 2022-11-11. Review status: criteria provided, single submitter. Criteria: ACMG Guidelines, 2015. Collection method: clinical testing. Allele origin: germline.

Institute of Immunology and Genetics Kaiserslautern
Classification: Pathogenic for Renpenning syndrome. Last evaluated: 2022-07-08. Review status: criteria provided, single submitter. Criteria: ACMG Guidelines, 2015. Collection method: clinical testing. Allele origin: maternal. Affected: yes.
Comment: ACMG Criteria: PVS1, PS3, PM2, PP1, PP5; Variant was found in hemizygous state.

GeneDx
Classification: Pathogenic. Last evaluated: 2022-03-25. Review status: criteria provided, single submitter. Criteria: GeneDx Variant Classification Process June 2021. Collection method: clinical testing. Allele origin: germline. Affected: yes.
Comment: Additional published functional studies demonstrate a damaging effect causing loss of the YxxPxxVL motif that is essential for binding with the spliceosomal protein U5-15kD (Mizuguchi et al., 2014); Frameshift variant predicted to result in protein truncation or nonsense mediated decay in a gene for which loss-of-function is a known mechanism of disease; Published functional studies demonstrate a damaging effect as the variant transcripts were markedly reduced compared to controls, indicating nonsense mediated mRNA decay (Kalscheuer et al. 2003); Not observed in large population cohorts (gnomAD); This variant is associated with the following publications: (PMID: 19847789, 28795356, 30315573, 20886605, 24781215, 14634649, 26046437, 26350204, 28073926, 25533962, 28152038, 29286531, 30500859, 20950397, 30842647, 30951824, 31316545, 31840929, 31840915, 33258288, 27535533)